The following is an entry in ClinVar:

NM_152564.5(VPS13B):c.2004G>A (p.Met668Ile)

Gene: VPS13B (vacuolar protein sorting 13 homolog B; plus strand). Cytogenetic location: 8q22.2.
Variant type: single nucleotide variant.
Coding change: c.2004G>A on transcript NM_152564.5 (MANE Select); coding-DNA position 2004, G replaced by A.
Protein change: p.Met668Ile; replaces methionine 668 with isoleucine.
Molecular consequence: missense variant.
Genome position (GRCh38, 1-based): chr8:99,148,001, G>A. VCF-style: chr8-99148001-G-A. GRCh37 (hg19) VCF-style: chr8-100160229-G-A.
Other names: c.2004G>A, p.Met668Ile (NM_015243.3, NM_017890.5); short protein forms M668I.
Identifiers: ClinVar variation 2162895 (VCV002162895.1), dbSNP rs1320412285, ClinGen allele CA371864568.

ClinVar aggregate classification (germline): Uncertain significance (1 of 4 stars; one submission).

Conditions:
Cohen syndrome (COH1). Also called: Cutis verticis gyrata, retinitis pigmentosa, and sensorineural deafness; PEPPER SYNDROME. Identifiers: Orphanet 193, MedGen C0265223, MONDO:0008999, OMIM 216550.

gnomAD v4.1: 17 of 1,611,890 alleles (0.0011%); highest among the groups gnomAD compares: Non-Finnish European, 0.0014%; no homozygotes.

Submission:

Labcorp Genetics (formerly Invitae), Labcorp
Classification: Uncertain significance for Cohen syndrome. Last evaluated: 2022-10-17. Review status: criteria provided, single submitter. Criteria: Invitae Variant Classification Sherloc (09022015). Collection method: clinical testing. Allele origin: germline.
Comment: This sequence change replaces methionine, which is neutral and non-polar, with isoleucine, which is neutral and non-polar, at codon 668 of the VPS13B protein (p.Met668Ile). This variant is present in population databases (no rsID available, gnomAD 0.002%). This variant has not been reported in the literature in individuals affected with VPS13B-related conditions. Advanced modeling of protein sequence and biophysical properties (such as structural, functional, and spatial information, amino acid conservation, physicochemical variation, residue mobility, and thermodynamic stability) performed at Invitae indicates that this missense variant is not expected to disrupt VPS13B protein function. In summary, the available evidence is currently insufficient to determine the role of this variant in disease. Therefore, it has been classified as a Variant of Uncertain Significance.